The following is an entry in ClinVar:

ClinVar aggregate classification (germline): Uncertain significance. Review status: criteria provided, multiple submitters, no conflicts (2 of 4 stars). 2 submissions from 2 submitters: Uncertain significance (2). Last evaluated 2024-04-19.

Conditions:
Inborn genetic diseases. Identifiers: MedGen C0950123, MeSH D030342.

Allele frequency attached by ClinVar (database versions not stated): gnomAD exomes 0.00003.
gnomAD v4.1: 44 of 1,573,772 alleles (0.0028%); highest among the groups gnomAD compares: Non-Finnish European, 0.0032%; no homozygotes.

Submissions (2):

Ambry Genetics
Classification: Uncertain significance for Inborn genetic diseases. Last evaluated: 2024-04-19. Review status: criteria provided, single submitter. Criteria: Ambry Variant Classification Scheme 2023. Collection method: clinical testing. Allele origin: germline.

CeGaT Center for Human Genetics Tuebingen
Classification: Uncertain significance. Last evaluated: 2023-02-01. Review status: criteria provided, single submitter. Criteria: CeGaT Center For Human Genetics Tuebingen Variant Classification Criteria Version 2. Collection method: clinical testing. Allele origin: germline. Affected: yes. Observed: 1 variant allele.
Comment: KMT2B: PP3

NM_014727.3(KMT2B):c.3878G>A (p.Arg1293His)

Gene: KMT2B (lysine methyltransferase 2B; plus strand). Cytogenetic location: 19q13.12.
Variant type: single nucleotide variant.
Coding change: c.3878G>A on transcript NM_014727.3 (MANE Select); coding-DNA position 3878, G replaced by A.
Protein change: p.Arg1293His; replaces arginine 1293 with histidine.
Molecular consequence: missense variant.
Genome position (GRCh38, 1-based): chr19:35,725,811, G>A. VCF-style: chr19-35725811-G-A. GRCh37 (hg19) VCF-style: chr19-36216712-G-A.
Other names: c.3878G>A (NM_014727.1); short protein forms R1293H.
Identifiers: ClinVar variation 2649742 (VCV002649742.25), dbSNP rs780411851, ClinGen allele CA9384899.
Genomic context (GRCh38, chr19:35,725,811, plus strand): 5'-ATGCATACCACCCGGCCTGTCTGGGGCCCAGCTATCCAACCCGGGCCACGCGCAAACGGC[G>A]CCACTGGGTGAGAGATGAGGTTCACCCACTTGCTTTGTCTCTAATGAATATCACCACCAC-3'
Protein context (NP_055542.1, residues 1283-1303): SYPTRATRKR[Arg1293His]HWICSACVRC